The following is an entry in ClinVar:

NM_144997.7(FLCN):c.738T>G (p.Ser246Arg)

Gene: FLCN (folliculin; minus strand). Cytogenetic location: 17p11.2.
Variant type: single nucleotide variant.
Coding change: c.738T>G on transcript NM_144997.7 (MANE Select); coding-DNA position 738, T replaced by G.
Protein change: p.Ser246Arg; replaces serine 246 with arginine.
Molecular consequence: missense variant.
Genome position (GRCh38, 1-based): chr17:17,222,542, A>C on the plus strand (T>G on the coding strand, the complement: FLCN is on the minus strand). VCF-style: chr17-17222542-A-C. GRCh37 (hg19) VCF-style: chr17-17125856-A-C.
Other names: c.792T>G, p.Ser264Arg (NM_001353229.2); c.738T>G, p.Ser246Arg (NM_001353230.2, NM_001353231.2, NM_144606.7); short protein forms S246R, S264R.
Identifiers: ClinVar variation 827011 (VCV000827011.11), dbSNP rs1597601940, ClinGen allele CA398533903.

ClinVar aggregate classification (germline): Uncertain significance. Review status: criteria provided, multiple submitters, no conflicts (2 of 4 stars). 2 submissions from 2 submitters: Uncertain significance (2). Last evaluated 2025-08-08.

Conditions:
Birt-Hogg-Dube syndrome. Also called: Birt Hogg Dubé syndrome. Identifiers: Orphanet 122, MedGen C0346010, MONDO:0800444.
Hereditary cancer-predisposing syndrome. Also called: Neoplastic Syndromes, Hereditary; Hereditary Cancer Syndrome; Hereditary neoplastic syndrome; Tumor predisposition. Identifiers: Orphanet 140162, MedGen C0027672, MeSH D009386, MONDO:0015356.

Allele frequency attached by ClinVar (database versions not stated): gnomAD 0.00001.
gnomAD v4.1: 1 of 1,614,076 alleles (0.000062%); highest among the groups gnomAD compares: Admixed American, 0.0017%; no homozygotes.

Submissions (2):

Ambry Genetics
Classification: Uncertain significance for Hereditary cancer-predisposing syndrome. Last evaluated: 2025-08-08. Review status: criteria provided, single submitter. Criteria: Ambry Variant Classification Scheme 2023. Collection method: clinical testing. Allele origin: germline.
Comment: The p.S246R variant (also known as c.738T>G), located in coding exon 4 of the FLCN gene, results from a T to G substitution at nucleotide position 738. The serine at codon 246 is replaced by arginine, an amino acid with dissimilar properties. This amino acid position is not well conserved in available vertebrate species. In addition, this alteration is predicted to be tolerated by in silico analysis. Since supporting evidence is limited at this time, the clinical significance of this alteration remains unclear.

Labcorp Genetics (formerly Invitae), Labcorp
Classification: Uncertain significance for Birt-Hogg-Dube syndrome. Last evaluated: 2023-10-28. Review status: criteria provided, single submitter. Criteria: Invitae Variant Classification Sherloc (09022015). Collection method: clinical testing. Allele origin: germline.
Comment: This sequence change replaces serine, which is neutral and polar, with arginine, which is basic and polar, at codon 246 of the FLCN protein (p.Ser246Arg). This variant is not present in population databases (gnomAD no frequency). This variant has not been reported in the literature in individuals affected with FLCN-related conditions. ClinVar contains an entry for this variant (Variation ID: 827011). Advanced modeling of protein sequence and biophysical properties (such as structural, functional, and spatial information, amino acid conservation, physicochemical variation, residue mobility, and thermodynamic stability) performed at Invitae indicates that this missense variant is not expected to disrupt FLCN protein function with a negative predictive value of 80%. In summary, the available evidence is currently insufficient to determine the role of this variant in disease. Therefore, it has been classified as a Variant of Uncertain Significance.